The following is an entry in ClinVar:

ClinVar aggregate classification (germline): Uncertain significance (1 of 4 stars; one submission).

Allele frequency attached by ClinVar (database versions not stated): ExAC 0.00001; gnomAD 0.00001; TOPMed 0.00002.

Submission:

Quest Diagnostics Nichols Institute San Juan Capistrano
Classification: Uncertain significance. Last evaluated: 2023-01-13. Review status: criteria provided, single submitter. Criteria: Quest Diagnostics criteria. Collection method: clinical testing. Allele origin: unknown.
Comment: This variant has not been reported in the published literature.The frequency of this variant in the general population, 0.0000073 (2/275712 chromosomes), is uninformative in assessment of its pathogenicity. Analysis of this variant using software algorithms for the prediction of the effect of nucleotide changes on splicing yielded predictions that this variant does not affect HBA1 mRNA splicing . Based on the available information, we are unable to determine the clinical significance of this variant.

NM_000558.5(HBA1):c.300+42T>C

Genes: HBA1 (hemoglobin subunit alpha 1; plus strand), LOC106804613 (hemoglobin subunit alpha 1 recombination region; plus strand). Cytogenetic location: 16p13.3.
Variant type: single nucleotide variant.
Coding change: c.300+42T>C on transcript NM_000558.5 (MANE Select); 42 bases into the intron after coding-DNA position 300, T replaced by C.
Molecular consequence: intron variant.
Genome position (GRCh38, 1-based): chr16:177,175, T>C. VCF-style: chr16-177175-T-C. GRCh37 (hg19) VCF-style: chr16-227174-T-C.
Identifiers: ClinVar variation 2681959 (VCV002681959.1), dbSNP rs745607257, ClinGen allele CA7770261.